The following is an entry in ClinVar:

NM_001283009.2(RTEL1):c.3490C>G (p.Pro1164Ala)

Genes: RTEL1 (regulator of telomere elongation helicase 1; plus strand), RTEL1-TNFRSF6B (RTEL1-TNFRSF6B readthrough (NMD candidate); plus strand). Cytogenetic location: 20q13.33.
Variant type: single nucleotide variant.
Coding change: c.3490C>G on transcript NM_001283009.2 (MANE Select); coding-DNA position 3490, C replaced by G.
Protein change: p.Pro1164Ala; replaces proline 1164 with alanine.
Molecular consequence: missense variant. On other transcripts: non-coding transcript variant (1).
Genome position (GRCh38, 1-based): chr20:63,695,212, C>G. VCF-style: chr20-63695212-C-G. GRCh37 (hg19) VCF-style: chr20-62326565-C-G.
Other names: c.2821C>G, p.Pro941Ala (NM_001283010.1); c.3490C>G, p.Pro1164Ala (NM_016434.4); c.3562C>G, p.Pro1188Ala (NM_032957.5); short protein forms P1188A, P941A, P1164A.
Identifiers: ClinVar variation 2171359 (VCV002171359.2), dbSNP rs2090945152, ClinGen allele CA409685528.
Genomic context (GRCh38, chr20:63,695,212, plus strand): 5'-GAGCCACCGGGACCCCAGGAGGAGAGGCTTGCCGTGCCTCCTGTGCTTACCCACAGGGCT[C>G]CCCAACCAGGTAGGGCACCTGCCTGGCTGCTCCTGGCAGCGCCCCAACCGCACGCAGCCC-3'
Protein context (NP_001269938.1, residues 1154-1174): AVPPVLTHRA[Pro1164Ala]QPGPSRSEKT

ClinVar aggregate classification (germline): Uncertain significance. Review status: criteria provided, multiple submitters, no conflicts (2 of 4 stars). 2 submissions from 2 submitters: Uncertain significance (2). Last evaluated 2025-01-20.

Conditions:
Dyskeratosis congenita, autosomal recessive 5 (DKCB5). Identifiers: MedGen C3554656, MONDO:0014076, OMIM 615190.
Pulmonary fibrosis and/or bone marrow failure, Telomere-related, 3. Also called: PULMONARY FIBROSIS AND/OR BONE MARROW FAILURE SYNDROME, TELOMERE-RELATED, 3. Identifiers: Orphanet 2032, MedGen C4225346, MONDO:0014613, OMIM 616373.
Inborn genetic diseases. Identifiers: MedGen C0950123, MeSH D030342.

Allele frequency attached by ClinVar (database versions not stated): gnomAD 0.00001.
gnomAD v4.1: 3 of 1,611,674 alleles (0.00019%); highest among the groups gnomAD compares: Non-Finnish European, 0.00017%; no homozygotes.

Submissions (2):

Ambry Genetics
Classification: Uncertain significance for Inborn genetic diseases. Last evaluated: 2025-01-20. Review status: criteria provided, single submitter. Criteria: Ambry Variant Classification Scheme 2023. Collection method: clinical testing. Allele origin: germline.
Comment: The p.P1164A variant (also known as c.3490C>G), located in coding exon 32 of the RTEL1 gene, results from a C to G substitution at nucleotide position 3490. The proline at codon 1164 is replaced by alanine, an amino acid with highly similar properties. This amino acid position is conserved. In addition, this alteration is predicted to be tolerated by in silico analysis. Based on the available evidence, the clinical significance of this variant remains unclear.

Labcorp Genetics (formerly Invitae), Labcorp
Classification: Uncertain significance for Dyskeratosis congenita, autosomal recessive 5; Pulmonary fibrosis and/or bone marrow failure, Telomere-related, 3. Last evaluated: 2022-07-30. Review status: criteria provided, single submitter. Criteria: Invitae Variant Classification Sherloc (09022015). Collection method: clinical testing. Allele origin: germline.
Comment: This sequence change replaces proline, which is neutral and non-polar, with alanine, which is neutral and non-polar, at codon 1164 of the RTEL1 protein (p.Pro1164Ala). This variant is not present in population databases (gnomAD no frequency). This variant has not been reported in the literature in individuals affected with RTEL1-related conditions. Algorithms developed to predict the effect of missense changes on protein structure and function output the following: SIFT: "Tolerated"; PolyPhen-2: "Benign"; Align-GVGD: "Class C0". The alanine amino acid residue is found in multiple mammalian species, which suggests that this missense change does not adversely affect protein function. In summary, the available evidence is currently insufficient to determine the role of this variant in disease. Therefore, it has been classified as a Variant of Uncertain Significance.